The following is an entry in ClinVar:

ClinVar aggregate classification (germline): Uncertain significance (1 of 4 stars; one submission).

Conditions:
Rubinstein-Taybi syndrome due to EP300 haploinsufficiency. Also called: EP300-Related Rubinstein-Taybi Syndrome; RUBINSTEIN-TAYBI SYNDROME 2. Identifiers: Orphanet 353284, Orphanet 783, MedGen C3150941, MONDO:0013364, OMIM 613684.

Allele frequency attached by ClinVar (database versions not stated): ExAC 0.00001; gnomAD 0.00001; gnomAD exomes 0.00001; TOPMed 0.00001.
gnomAD v4.1: 4 of 1,613,960 alleles (0.00025%); highest among the groups gnomAD compares: Non-Finnish European, 0.00034%; no homozygotes.

Submission:

Labcorp Genetics (formerly Invitae), Labcorp
Classification: Uncertain significance for Rubinstein-Taybi syndrome due to EP300 haploinsufficiency. Last evaluated: 2025-08-29. Review status: criteria provided, single submitter. Criteria: Invitae Variant Classification Sherloc (09022015). Collection method: clinical testing. Allele origin: germline.
Comment: This sequence change replaces proline, which is neutral and non-polar, with leucine, which is neutral and non-polar, at codon 1155 of the EP300 protein (p.Pro1155Leu). This variant is present in population databases (rs747493771, gnomAD 0.003%). This variant has not been reported in the literature in individuals affected with EP300-related conditions. ClinVar contains an entry for this variant (Variation ID: 2982224). Invitae Evidence Modeling of protein sequence and biophysical properties (such as structural, functional, and spatial information, amino acid conservation, physicochemical variation, residue mobility, and thermodynamic stability) indicates that this missense variant is expected to disrupt EP300 protein function with a positive predictive value of 80%. In summary, the available evidence is currently insufficient to determine the role of this variant in disease. Therefore, it has been classified as a Variant of Uncertain Significance.

NM_001429.4(EP300):c.3464C>T (p.Pro1155Leu)

Gene: EP300 (EP300 lysine acetyltransferase; plus strand). Cytogenetic location: 22q13.2.
Variant type: single nucleotide variant.
Coding change: c.3464C>T on transcript NM_001429.4 (MANE Select); coding-DNA position 3464, C replaced by T.
Protein change: p.Pro1155Leu; replaces proline 1155 with leucine.
Molecular consequence: missense variant.
Genome position (GRCh38, 1-based): chr22:41,157,371, C>T. VCF-style: chr22-41157371-C-T. GRCh37 (hg19) VCF-style: chr22-41553375-C-T.
Other names: c.3386C>T, p.Pro1129Leu (NM_001362843.2); short protein forms P1155L, P1129L.
Identifiers: ClinVar variation 2982224 (VCV002982224.3), dbSNP rs747493771, ClinGen allele CA10253120.